The following is an entry in ClinVar:

ClinVar aggregate classification (germline): Uncertain significance. Review status: criteria provided, multiple submitters, no conflicts (2 of 4 stars). 5 submissions from 5 submitters: Uncertain significance (5). Last evaluated 2025-10-23.

Conditions:
Dilated cardiomyopathy 1JJ (CMD1JJ). Identifiers: Orphanet 154, MedGen C3808935, MONDO:0014095, OMIM 615235.
Cardiovascular phenotype. Identifiers: MedGen CN230736.

Allele frequency attached by ClinVar (database versions not stated): TOPMed 0.00002.
gnomAD v4.1: 9 of 1,613,998 alleles (0.00056%); highest among the groups gnomAD compares: Admixed American, 0.005%; no homozygotes.

Submissions (5):

Labcorp Genetics (formerly Invitae), Labcorp
Classification: Uncertain significance for Dilated cardiomyopathy 1JJ. Last evaluated: 2025-10-23. Review status: criteria provided, single submitter. Criteria: Invitae Variant Classification Sherloc (09022015). Collection method: clinical testing. Allele origin: germline.
Comment: This sequence change replaces arginine, which is basic and polar, with glutamine, which is neutral and polar, at codon 799 of the LAMA4 protein (p.Arg799Gln). This variant is present in population databases (no rsID available, gnomAD 0.006%). This variant has not been reported in the literature in individuals affected with LAMA4-related conditions. ClinVar contains an entry for this variant (Variation ID: 518921). Invitae Evidence Modeling of protein sequence and biophysical properties (such as structural, functional, and spatial information, amino acid conservation, physicochemical variation, residue mobility, and thermodynamic stability) indicates that this missense variant is not expected to disrupt LAMA4 protein function with a negative predictive value of 80%. In summary, the available evidence is currently insufficient to determine the role of this variant in disease. Therefore, it has been classified as a Variant of Uncertain Significance.

Ambry Genetics
Classification: Uncertain significance for Cardiovascular phenotype. Last evaluated: 2025-10-01. Review status: criteria provided, single submitter. Criteria: Ambry Variant Classification Scheme 2023. Collection method: clinical testing. Allele origin: germline.
Comment: The p.R799Q variant (also known as c.2396G>A), located in coding exon 18 of the LAMA4 gene, results from a G to A substitution at nucleotide position 2396. The arginine at codon 799 is replaced by glutamine, an amino acid with highly similar properties. This amino acid position is not well conserved in available vertebrate species, and glutamine is the reference amino acid in other vertebrate species. In addition, this alteration is predicted to be tolerated by in silico analysis. Since supporting evidence is limited at this time, the clinical significance of this alteration remains unclear.

GeneDx
Classification: Uncertain significance. Last evaluated: 2022-09-22. Review status: criteria provided, single submitter. Criteria: GeneDx Variant Classification Process June 2021. Collection method: clinical testing. Allele origin: germline. Affected: yes.
Comment: Has not been previously published as pathogenic or benign to our knowledge; Not observed at significant frequency in large population cohorts (gnomAD); In silico analysis supports that this missense variant does not alter protein structure/function

Fulgent Genetics
Classification: Uncertain significance for Dilated cardiomyopathy 1JJ. Last evaluated: 2021-10-11. Review status: criteria provided, single submitter. Criteria: ACMG Guidelines, 2015. Collection method: clinical testing. Allele origin: unknown.

Stanford Center for Inherited Cardiovascular Disease, Stanford University
Classification: Uncertain significance. Last evaluated: 2017-06-20. Review status: criteria provided, single submitter. Criteria: ACMG Guidelines, 2015. Collection method: provider interpretation. Allele origin: germline.

NM_001105206.3(LAMA4):c.2417G>A (p.Arg806Gln)

Gene: LAMA4 (laminin subunit alpha 4; minus strand). Cytogenetic location: 6q21.
Variant type: single nucleotide variant.
Coding change: c.2417G>A on transcript NM_001105206.3 (MANE Select); coding-DNA position 2417, G replaced by A.
Protein change: p.Arg806Gln; replaces arginine 806 with glutamine.
Molecular consequence: missense variant.
Genome position (GRCh38, 1-based): chr6:112,144,870, C>T on the plus strand (G>A on the coding strand, the complement: LAMA4 is on the minus strand). VCF-style: chr6-112144870-C-T. GRCh37 (hg19) VCF-style: chr6-112466072-C-T.
Other names: c.2396G>A, p.Arg799Gln (NM_001105207.3, NM_002290.5); c.2396G>A (LRG_433t2); short protein forms R799Q, R806Q.
Identifiers: ClinVar variation 518921 (VCV000518921.14), dbSNP rs1554334150, ClinGen allele CA365382824.